The following is an entry in ClinVar:

ClinVar aggregate classification (germline): Pathogenic (1 of 4 stars; one submission).

Conditions:
Familial intrahepatic cholestasis. Identifiers: Orphanet 284385, MedGen CN296401, MONDO:0017290.

Submission:

Genomenon, Inc
Classification: Pathogenic for Familial intrahepatic cholestasis. Last evaluated: 2026-04-14. Review status: criteria provided, single submitter. Criteria: Genomenon Sequence Variant Interpretation Standards - Updated. Collection method: curation. Allele origin: germline. Affected: yes.
Comment: ABCB4 p.Ala984GlnfsTer4 (c.2949del) is a frameshift variant that results in the production of a truncated protein which is predicted to undergo nonsense-mediated mRNA decay. This variant has been observed in at least one proband with an ABCB4-related disorder (PMID:38610052). It is absent or not present at a significant frequency in gnomAD. In conclusion, we classify ABCB4 p.Ala984GlnfsTer4 (c.2949del) as a pathogenic variant.

Literature cited by the submitters: PubMed 38610052.

NM_000443.4(ABCB4):c.2949del (p.Ala984fs)

Gene: ABCB4 (ATP binding cassette subfamily B member 4; minus strand). Cytogenetic location: 7q21.12.
Variant type: Deletion.
Coding change: c.2949del on transcript NM_000443.4 (MANE Select); coding-DNA position 2949, one base deleted (T; older notation c.2949delT).
Protein change: p.Ala984fs; shifts the reading frame from alanine 984.
Molecular consequence: frameshift variant.
Genome position (GRCh38, 1-based): chr7:87,409,368, A deleted on the plus strand (T on the coding strand, the reverse complement: ABCB4 is on the minus strand). VCF-style (leftmost placement, unchanged base first): chr7-87409367-CA-C. GRCh37 (hg19) VCF-style: chr7-87038683-CA-C.
Other names: c.2949del, p.Ala984fs (NM_018849.3); c.2808del, p.Ala937fs (NM_018850.3); short protein forms A937fs, A984fs.
Identifiers: ClinVar variation 4846409 (VCV004846409.1).